The following is an entry in ClinVar:

NM_001379500.1(COL18A1):c.2214+9C>T

Gene: COL18A1 (collagen type XVIII alpha 1 chain; plus strand). Cytogenetic location: 21q22.3.
Variant type: single nucleotide variant.
Coding change: c.2214+9C>T on transcript NM_001379500.1 (MANE Select); 9 bases into the intron after coding-DNA position 2214, C replaced by T.
Molecular consequence: intron variant.
Genome position (GRCh38, 1-based): chr21:45,492,722, C>T. VCF-style: chr21-45492722-C-T. GRCh37 (hg19) VCF-style: chr21-46912636-C-T.
Other names: c.3459+9C>T (NM_130444.3); c.2754+9C>T (NM_030582.4, NM_030582.3).
Identifiers: ClinVar variation 1640122 (VCV001640122.10), dbSNP rs771439983, ClinGen allele CA10066924.

ClinVar aggregate classification (germline): Likely benign. Review status: criteria provided, single submitter (1 of 4 stars). 2 submissions from 2 submitters: Likely benign (1). 1 of the submissions does not count toward it. Last evaluated 2026-01-05.

Conditions:
COL18A1-related disorder. Also called: COL18A1-related disorders; COL18A1-related condition.

Allele frequency attached by ClinVar (database versions not stated): ExAC 0.00003; TOPMed 0.00003; gnomAD exomes 0.00005.
gnomAD v4.1: 14 of 1,523,560 alleles (0.00092%); highest among the groups gnomAD compares: Admixed American, 0.024%; no homozygotes.

Submissions (2):

Labcorp Genetics (formerly Invitae), Labcorp
Classification: Likely benign. Last evaluated: 2026-01-05. Review status: criteria provided, single submitter. Criteria: Invitae Variant Classification Sherloc (09022015). Collection method: clinical testing. Allele origin: germline.

PreventionGenetics, part of Exact Sciences
Classification: Likely benign for COL18A1-related condition. Last evaluated: 2019-05-14. Review status: no assertion criteria provided. Collection method: clinical testing. Allele origin: germline. Not counted in ClinVar's aggregate classification.
Comment: This variant is classified as likely benign based on ACMG/AMP sequence variant interpretation guidelines (Richards et al. 2015 PMID: 25741868, with internal and published modifications).